The following is an entry in ClinVar:

ClinVar aggregate classification (germline): Uncertain significance (1 of 4 stars; one submission).

Submission:

Labcorp Genetics (formerly Invitae), Labcorp
Classification: Uncertain significance. Last evaluated: 2024-04-17. Review status: criteria provided, single submitter. Criteria: Invitae Variant Classification Sherloc (09022015). Collection method: clinical testing. Allele origin: germline.
Comment: This sequence change replaces arginine, which is basic and polar, with tryptophan, which is neutral and slightly polar, at codon 55 of the PTHLH protein (p.Arg55Trp). This variant is not present in population databases (gnomAD no frequency). This variant has not been reported in the literature in individuals affected with PTHLH-related conditions. An algorithm developed to predict the effect of missense changes on protein structure and function (PolyPhen-2) suggests that this variant is likely to be disruptive. In summary, the available evidence is currently insufficient to determine the role of this variant in disease. Therefore, it has been classified as a Variant of Uncertain Significance.

NM_198965.2(PTHLH):c.163C>T (p.Arg55Trp)

Gene: PTHLH (parathyroid hormone like hormone; minus strand). Cytogenetic location: 12p11.22.
Variant type: single nucleotide variant.
Coding change: c.163C>T on transcript NM_198965.2 (MANE Select); coding-DNA position 163, C replaced by T.
Protein change: p.Arg55Trp; replaces arginine 55 with tryptophan.
Molecular consequence: missense variant.
Genome position (GRCh38, 1-based): chr12:27,963,709, G>A on the plus strand (C>T on the coding strand, the complement: PTHLH is on the minus strand). VCF-style: chr12-27963709-G-A. GRCh37 (hg19) VCF-style: chr12-28116642-G-A.
Other names: c.163C>T, p.Arg55Trp (NM_198966.2, NM_002820.3, NM_198964.2); short protein forms R55W.
Identifiers: ClinVar variation 3717264 (VCV003717264.2).